The following is an entry in ClinVar:

ClinVar aggregate classification (germline): Uncertain significance (1 of 4 stars; one submission).

gnomAD v4.1: 119 of 1,613,884 alleles (0.0074%); highest among the groups gnomAD compares: Non-Finnish European, 0.0091%; no homozygotes.

Submission:

Labcorp Genetics (formerly Invitae), Labcorp
Classification: Uncertain significance. Last evaluated: 2025-07-14. Review status: criteria provided, single submitter. Criteria: Invitae Variant Classification Sherloc (09022015). Collection method: clinical testing. Allele origin: germline.
Comment: This sequence change replaces arginine, which is basic and polar, with glutamine, which is neutral and polar, at codon 133 of the WNT9B protein (p.Arg133Gln). This variant is present in population databases (rs554846731, gnomAD 0.006%). This variant has not been reported in the literature in individuals affected with WNT9B-related conditions. ClinVar contains an entry for this variant (Variation ID: 2165273). An algorithm developed to predict the effect of missense changes on protein structure and function (PolyPhen-2) suggests that this variant is likely to be disruptive. In summary, the available evidence is currently insufficient to determine the role of this variant in disease. Therefore, it has been classified as a Variant of Uncertain Significance.

NM_003396.3(WNT9B):c.398G>A (p.Arg133Gln)

Genes: LRRC37A2 (leucine rich repeat containing 37 member A2), WNT9B (Wnt family member 9B; plus strand). Cytogenetic location: 17q21.32.
Variant type: single nucleotide variant.
Coding change: c.398G>A on transcript NM_003396.3 (MANE Select); coding-DNA position 398, G replaced by A.
Protein change: p.Arg133Gln; replaces arginine 133 with glutamine.
Molecular consequence: missense variant.
Genome position (GRCh38, 1-based): chr17:46,875,164, G>A. VCF-style: chr17-46875164-G-A. GRCh37 (hg19) VCF-style: chr17-44952530-G-A.
Other names: c.398G>A, p.Arg133Gln (NM_001320458.2); short protein forms R133Q.
Identifiers: ClinVar variation 2165273 (VCV002165273.4), dbSNP rs554846731, ClinGen allele CA8620889.